The following is an entry in ClinVar:

ClinVar aggregate classification (germline): Uncertain significance (1 of 4 stars; one submission).

Conditions:
Polyglandular autoimmune syndrome, type 1 (APS1). Also called: HYPOADRENOCORTICISM WITH HYPOPARATHYROIDISM AND SUPERFICIAL MONILIASIS; Autoimmune polyendocrine syndrome type 1; Autoimmune polyendocrinopathy syndrome, type I; Autoimmune polyendocrinopathy syndrome , type I, with or without reversible metaphyseal dysplasia; AUTOIMMUNE POLYENDOCRINE SYNDROME, TYPE I, WITH OR WITHOUT REVERSIBLE METAPHYSEAL DYSPLASIA; APS I. Identifiers: Orphanet 3453, MedGen C0085859, MONDO:0009411, OMIM 240300.

gnomAD v4.1: 2 of 1,605,996 alleles (0.00012%); highest among the groups gnomAD compares: East Asian, 0.0045%; no homozygotes.

Submission:

Labcorp Genetics (formerly Invitae), Labcorp
Classification: Uncertain significance for Polyglandular autoimmune syndrome, type 1. Last evaluated: 2025-04-07. Review status: criteria provided, single submitter. Criteria: Invitae Variant Classification Sherloc (09022015). Collection method: clinical testing. Allele origin: germline.
Comment: This sequence change replaces proline, which is neutral and non-polar, with glutamine, which is neutral and polar, at codon 405 of the AIRE protein (p.Pro405Gln). The frequency data for this variant in the population databases is considered unreliable, as metrics indicate poor data quality at this position in the gnomAD database. This variant has not been reported in the literature in individuals affected with AIRE-related conditions. ClinVar contains an entry for this variant (Variation ID: 2180468). Invitae Evidence Modeling of protein sequence and biophysical properties (such as structural, functional, and spatial information, amino acid conservation, physicochemical variation, residue mobility, and thermodynamic stability) indicates that this missense variant is expected to disrupt AIRE protein function with a positive predictive value of 95%. In summary, the available evidence is currently insufficient to determine the role of this variant in disease. Therefore, it has been classified as a Variant of Uncertain Significance.

NM_000383.4(AIRE):c.1214C>A (p.Pro405Gln)

Gene: AIRE (autoimmune regulator; plus strand). Cytogenetic location: 21q22.3.
Variant type: single nucleotide variant.
Coding change: c.1214C>A on transcript NM_000383.4 (MANE Select); coding-DNA position 1214, C replaced by A.
Protein change: p.Pro405Gln; replaces proline 405 with glutamine.
Molecular consequence: missense variant.
Genome position (GRCh38, 1-based): chr21:44,293,111, C>A. VCF-style: chr21-44293111-C-A. GRCh37 (hg19) VCF-style: chr21-45712994-C-A.
Other names: short protein forms P405Q.
Identifiers: ClinVar variation 2180468 (VCV002180468.3), dbSNP rs769719554, ClinGen allele CA10051992.